The following is an entry in ClinVar:

ClinVar aggregate classification (germline): Uncertain significance (1 of 4 stars; one submission).

Conditions:
Hereditary breast ovarian cancer syndrome. Also called: Hereditary breast and ovarian cancer syndrome (HBOC); Hereditary breast and ovarian cancer syndrome; Breast and ovarian cancer; Hereditary breast and/or ovarian cancer syndrome; Hereditary breast and ovarian cancer; BRCA1- and BRCA2-Associated Hereditary Breast and Ovarian Cancer. Identifiers: Orphanet 145, MedGen C0677776, MeSH D061325, MONDO:0003582. Disease mechanism: loss of function.

Allele frequency attached by ClinVar (database versions not stated): gnomAD exomes below 0.00001.
gnomAD v4.1: 1 of 1,613,902 alleles (0.000062%); highest among the groups gnomAD compares: Non-Finnish European, 0.000085%; no homozygotes.

Submission:

Labcorp Genetics (formerly Invitae), Labcorp
Classification: Uncertain significance for Hereditary breast ovarian cancer syndrome. Last evaluated: 2017-07-27. Review status: criteria provided, single submitter. Criteria: Invitae Variant Classification Sherloc (09022015). Collection method: clinical testing. Allele origin: germline.
Comment: This variant is not present in population databases (ExAC no frequency). In summary, the available evidence is currently insufficient to determine the role of this variant in disease. Therefore, it has been classified as a Variant of Uncertain Significance. Algorithms developed to predict the effect of missense changes on protein structure and function do not agree on the potential impact of this missense change (SIFT: "Tolerated"; PolyPhen-2: "Possibly Damaging"; Align-GVGD: "Class C0"). This variant has not been reported in the literature in individuals with BRCA2-related disease. This sequence change replaces lysine with asparagine at codon 3214 of the BRCA2 protein (p.Lys3214Asn). The lysine residue is weakly conserved and there is a moderate physicochemical difference between lysine and asparagine.

NM_000059.4(BRCA2):c.9642G>C (p.Lys3214Asn)

Gene: BRCA2 (BRCA2 DNA repair associated; plus strand). Cytogenetic location: 13q13.1.
Variant type: single nucleotide variant.
Coding change: c.9642G>C on transcript NM_000059.4 (MANE Select); coding-DNA position 9642, G replaced by C.
Protein change: p.Lys3214Asn; replaces lysine 3214 with asparagine.
Molecular consequence: missense variant.
Genome position (GRCh38, 1-based): chr13:32,397,038, G>C. VCF-style: chr13-32397038-G-C. GRCh37 (hg19) VCF-style: chr13-32971175-G-C.
Other names: short protein forms K3214N.
Identifiers: ClinVar variation 462533 (VCV000462533.9), dbSNP rs1335111231, ClinGen allele CA387763811.